The following is an entry in ClinVar:

NM_032892.5(FRMD5):c.1135+3G>A

Gene: FRMD5 (FERM domain containing 5; minus strand). Cytogenetic location: 15q15.3.
Variant type: single nucleotide variant.
Coding change: c.1135+3G>A on transcript NM_032892.5 (MANE Select); 3 bases into the intron after coding-DNA position 1135, G replaced by A.
Molecular consequence: intron variant.
Genome position (GRCh38, 1-based): chr15:43,883,700, C>T on the plus strand (G>A on the coding strand, the complement: FRMD5 is on the minus strand). VCF-style: chr15-43883700-C-T. GRCh37 (hg19) VCF-style: chr15-44175898-C-T.
Other names: c.1030+3G>A (NM_001322951.2); c.1135+3G>A (NM_001322949.2, NM_001411124.1, NM_001322950.2); c.433+3G>A (NM_001286491.2); c.853+3G>A (NM_001286490.2).
Identifiers: ClinVar variation 4981705 (VCV004981705.1).

ClinVar aggregate classification (germline): Likely benign (1 of 4 stars; one submission).

Conditions:
FRMD5-related condition.

gnomAD v4.1: 433 of 1,601,884 alleles (0.027%); highest among the groups gnomAD compares: African/African-American, 0.52%; 1 homozygote.

Submission:

PreventionGenetics, part of Exact Sciences
Classification: Likely benign for FRMD5-related condition. Last evaluated: 2026-05-17. Review status: criteria provided, single submitter. Criteria: ACMG Guidelines, 2015. Collection method: clinical testing. Allele origin: germline.
Comment: This variant is classified as likely benign based on ACMG/AMP sequence variant interpretation guidelines (Richards et al. 2015 PMID: 25741868, with internal and published modifications).